The following is an entry in ClinVar:

NM_002907.4(RECQL):c.1430A>G (p.Asn477Ser)

Gene: RECQL (RecQ like helicase; minus strand). Cytogenetic location: 12p12.1.
Variant type: single nucleotide variant.
Coding change: c.1430A>G on transcript NM_002907.4 (MANE Select); coding-DNA position 1430, A replaced by G.
Protein change: p.Asn477Ser; replaces asparagine 477 with serine.
Molecular consequence: missense variant.
Genome position (GRCh38, 1-based): chr12:21,473,568, T>C on the plus strand (A>G on the coding strand, the complement: RECQL is on the minus strand). VCF-style: chr12-21473568-T-C. GRCh37 (hg19) VCF-style: chr12-21626502-T-C.
Other names: c.1430A>G, p.Asn477Ser (NM_032941.3); short protein forms N477S.
Identifiers: ClinVar variation 1772487 (VCV001772487.2), dbSNP rs1943025651, ClinGen allele CA384117305.

ClinVar aggregate classification (germline): Uncertain significance (1 of 4 stars; one submission).

Allele frequency attached by ClinVar (database versions not stated): gnomAD 0.00001; TOPMed 0.00001.
gnomAD v4.1: 2 of 1,612,504 alleles (0.00012%); highest among the groups gnomAD compares: Admixed American, 0.0033%; no homozygotes.

Submission:

Ambry Genetics
Classification: Uncertain significance. Last evaluated: 2021-08-11. Review status: criteria provided, single submitter. Criteria: Ambry Variant Classification Scheme 2023. Collection method: clinical testing. Allele origin: germline.
Comment: The p.N477S variant (also known as c.1430A>G), located in coding exon 11 of the RECQL gene, results from an A to G substitution at nucleotide position 1430. The asparagine at codon 477 is replaced by serine, an amino acid with highly similar properties. This amino acid position is conserved. In addition, this alteration is predicted to be tolerated by in silico analysis. Since supporting evidence is limited at this time, the clinical significance of this alteration remains unclear.